The following is an entry in ClinVar:

ClinVar aggregate classification (germline): Pathogenic (1 of 4 stars; one submission).

Conditions:
Fabry disease. Also called: Fabry's disease; ALPHA-GALACTOSIDASE A DEFICIENCY; ANDERSON-FABRY DISEASE; CERAMIDE TRIHEXOSIDASE DEFICIENCY; GLA DEFICIENCY; HEREDITARY DYSTOPIC LIPIDOSIS. Identifiers: Orphanet 324, MedGen C0002986, MONDO:0010526, OMIM 301500, HP:0001071. Disease mechanism: Fabry disease is due to inactivating mutations in the X-linked GLA gene resulting in deficiency of the enzyme Alpha Galactosidase-A., loss of function.

Submission:

Labcorp Genetics (formerly Invitae), Labcorp
Classification: Pathogenic for Fabry disease. Last evaluated: 2021-08-09. Review status: criteria provided, single submitter. Criteria: Invitae Variant Classification Sherloc (09022015). Collection method: clinical testing. Allele origin: germline.
Comment: For these reasons, this variant has been classified as Pathogenic. This variant has not been reported in the literature in individuals affected with GLA-related conditions. This variant is not present in population databases (ExAC no frequency). This sequence change creates a premature translational stop signal (p.Asn34Ilefs*20) in the GLA gene. It is expected to result in an absent or disrupted protein product. Loss-of-function variants in GLA are known to be pathogenic (PMID: 10666480, 12175777).

Literature cited by the submitters: PubMed 10666480; PubMed 12175777.

NM_000169.3(GLA):c.101_105del (p.Asn34fs)

Genes: GLA (galactosidase alpha; minus strand), RPL36A-HNRNPH2 (RPL36A-HNRNPH2 readthrough; plus strand). Cytogenetic location: Xq22.1.
Variant type: Deletion.
Coding change: c.101_105del on transcript NM_000169.3 (MANE Select); coding-DNA positions 101 to 105, 5 bases deleted (ATGGA; older notation c.101_105delATGGA).
Protein change: p.Asn34fs; shifts the reading frame from asparagine 34.
Molecular consequence: frameshift variant. On other transcripts: non-coding transcript variant (3), intron variant (2).
Genome position (GRCh38, 1-based): chrX:101,407,799-101,407,803, TCCAT deleted on the plus strand (ATGGA on the coding strand, the reverse complement: GLA is on the minus strand); deleting any 5 consecutive bases within chrX:101,407,799-101,407,804 gives the same sequence; the c. name uses the placement nearest the transcript's 3' end. VCF-style (leftmost placement, unchanged base first): chrX-101407798-ATCCAT-A. GRCh37 (hg19) VCF-style: chrX-100662786-ATCCAT-A.
Other names: c.101_105del, p.Asn34fs (NM_001406747.1, NM_001406748.1, NM_001406749.1); c.301-4136_301-4132del (NM_001199973.2); c.178-4136_178-4132del (NM_001199974.2); short protein forms N34fs.
Identifiers: ClinVar variation 1399124 (VCV001399124.6), dbSNP rs2147487375, ClinGen allele CA2573159127.